The following is an entry in ClinVar:

NM_001035.3(RYR2):c.5980G>T (p.Asp1994Tyr)

Gene: RYR2 (ryanodine receptor 2; plus strand). Cytogenetic location: 1q43.
Variant type: single nucleotide variant.
Coding change: c.5980G>T on transcript NM_001035.3 (MANE Select); coding-DNA position 5980, G replaced by T.
Protein change: p.Asp1994Tyr; replaces aspartic acid 1994 with tyrosine.
Molecular consequence: missense variant.
Genome position (GRCh38, 1-based): chr1:237,623,828, G>T. VCF-style: chr1-237623828-G-T. GRCh37 (hg19) VCF-style: chr1-237787128-G-T.
Other names: short protein forms D1994Y.
Identifiers: ClinVar variation 2793706 (VCV002793706.3), dbSNP rs1679358579, ClinGen allele CA345408247.
Genomic context (GRCh38, chr1:237,623,828, plus strand): 5'-AATATGCTTCTCAATTTTAAGGATGACAAAAGTGAATGTCCATGTCCAGAAGAAATTCGT[G>T]ACCAACTATTGGATTTCCATGAAGATTTGATGACACATTGTGGTAAGGTCTTTTTGATTA-3'
Protein context (NP_001026.2, residues 1984-2004): SECPCPEEIR[Asp1994Tyr]QLLDFHEDLM

ClinVar aggregate classification (germline): Uncertain significance (1 of 4 stars; one submission).

Conditions:
Catecholaminergic polymorphic ventricular tachycardia 1. Also called: VENTRICULAR TACHYCARDIA, STRESS-INDUCED POLYMORPHIC 1; VENTRICULAR TACHYCARDIA, CATECHOLAMINERGIC POLYMORPHIC, 1, WITH OR WITHOUT ATRIAL DYSFUNCTION AND/OR DILATED CARDIOMYOPATHY; RYR2-Related Catecholaminergic Polymorphic Ventricular Tachycardia. Identifiers: Orphanet 3286, MedGen C1631597, MONDO:0011484, OMIM 604772.

Allele frequency attached by ClinVar (database versions not stated): TOPMed below 0.00001.
gnomAD v4.1: 1 of 1,613,280 alleles (0.000062%); highest among the groups gnomAD compares: Non-Finnish European, 0.000085%; no homozygotes.

Submission:

Labcorp Genetics (formerly Invitae), Labcorp
Classification: Uncertain significance for Catecholaminergic polymorphic ventricular tachycardia 1. Last evaluated: 2023-04-28. Review status: criteria provided, single submitter. Criteria: Invitae Variant Classification Sherloc (09022015). Collection method: clinical testing. Allele origin: germline.
Comment: In summary, the available evidence is currently insufficient to determine the role of this variant in disease. Therefore, it has been classified as a Variant of Uncertain Significance. Advanced modeling of protein sequence and biophysical properties (such as structural, functional, and spatial information, amino acid conservation, physicochemical variation, residue mobility, and thermodynamic stability) performed at Invitae indicates that this missense variant is not expected to disrupt RYR2 protein function. This variant has not been reported in the literature in individuals affected with RYR2-related conditions. This variant is not present in population databases (gnomAD no frequency). This sequence change replaces aspartic acid, which is acidic and polar, with tyrosine, which is neutral and polar, at codon 1994 of the RYR2 protein (p.Asp1994Tyr).